The following is an entry in ClinVar:

ClinVar aggregate classification (germline): Uncertain significance (1 of 4 stars; one submission).

Submission:

Labcorp Genetics (formerly Invitae), Labcorp
Classification: Uncertain significance. Last evaluated: 2025-07-06. Review status: criteria provided, single submitter. Criteria: Invitae Variant Classification Sherloc (09022015). Collection method: clinical testing. Allele origin: germline.
Comment: This sequence change replaces lysine, which is basic and polar, with asparagine, which is neutral and polar, at codon 518 of the MBD4 protein (p.Lys518Asn). This variant is not present in population databases (gnomAD no frequency). This variant has not been reported in the literature in individuals affected with MBD4-related conditions. An algorithm developed to predict the effect of missense changes on protein structure and function (PolyPhen-2) suggests that this variant is likely to be disruptive. In summary, the available evidence is currently insufficient to determine the role of this variant in disease. Therefore, it has been classified as a Variant of Uncertain Significance.

NM_001276270.2(MBD4):c.1536G>T (p.Lys512Asn)

Gene: MBD4 (methyl-CpG binding domain 4, DNA glycosylase; minus strand). Cytogenetic location: 3q21.3.
Variant type: single nucleotide variant.
Coding change: c.1536G>T on transcript NM_001276270.2 (MANE Select); coding-DNA position 1536, G replaced by T.
Protein change: p.Lys512Asn; replaces lysine 512 with asparagine.
Molecular consequence: missense variant.
Genome position (GRCh38, 1-based): chr3:129,433,105, C>A on the plus strand (G>T on the coding strand, the complement: MBD4 is on the minus strand). VCF-style: chr3-129433105-C-A. GRCh37 (hg19) VCF-style: chr3-129151948-C-A.
Other names: c.1554G>T, p.Lys518Asn (NM_001276271.2, NM_001276272.2, NM_003925.3); c.600G>T, p.Lys200Asn (NM_001276273.2); short protein forms K512N, K200N, K518N.
Identifiers: ClinVar variation 4722738 (VCV004722738.1).
Genomic context (GRCh38, chr3:129,433,105, plus strand): 5'-TCTTAAATAAGCACAATGTATTATGTTTTTCCTTTGGGTGTATAGGAAAATACCTGAGAA[C>A]TTGACAATGGTTTTTGCCCGAAGATCGTAGAGACCAAGAGGTTTAAGAAGTTCTGACACA-3'
Protein context (NP_001263199.1, residues 502-522): LYDLRAKTIV[Lys512Asn]FSDEYLTKQW